The following is an entry in ClinVar:

ClinVar aggregate classification (germline): Uncertain significance (1 of 4 stars; one submission).

Allele frequency attached by ClinVar (database versions not stated): ExAC 0.00002; gnomAD exomes 0.00003; TOPMed 0.00003; gnomAD 0.00007.

Submission:

Labcorp Genetics (formerly Invitae), Labcorp
Classification: Uncertain significance. Last evaluated: 2022-09-04. Review status: criteria provided, single submitter. Criteria: Invitae Variant Classification Sherloc (09022015). Collection method: clinical testing. Allele origin: germline.
Comment: This sequence change affects codon 162 of the TBX6 mRNA. It is a 'silent' change, meaning that it does not change the encoded amino acid sequence of the TBX6 protein. This variant is present in population databases (rs565430847, gnomAD 0.006%). This variant has not been reported in the literature in individuals affected with TBX6-related conditions. Algorithms developed to predict the effect of sequence changes on RNA splicing suggest that this variant may create or strengthen a splice site. In summary, the available evidence is currently insufficient to determine the role of this variant in disease. Therefore, it has been classified as a Variant of Uncertain Significance.

NM_004608.4(TBX6):c.486C>T (p.Gly162=)

Gene: TBX6 (T-box transcription factor 6; minus strand). Cytogenetic location: 16p11.2.
Variant type: single nucleotide variant.
Coding change: c.486C>T on transcript NM_004608.4 (MANE Select); coding-DNA position 486, C replaced by T.
Protein change: p.Gly162=; no amino-acid change (glycine 162 retained).
Molecular consequence: synonymous variant.
Genome position (GRCh38, 1-based): chr16:30,089,078, G>A on the plus strand (C>T on the coding strand, the complement: TBX6 is on the minus strand). VCF-style: chr16-30089078-G-A. GRCh37 (hg19) VCF-style: chr16-30100399-G-A.
Identifiers: ClinVar variation 2047492 (VCV002047492.1), dbSNP rs565430847, ClinGen allele CA8001909.